The following is an entry in ClinVar:

ClinVar aggregate classification (germline): Uncertain significance (1 of 4 stars; one submission).

gnomAD v4.1: 13 of 1,551,466 alleles (0.00084%); highest among the groups gnomAD compares: African/African-American, 0.016%; no homozygotes.

Submission:

Labcorp Genetics (formerly Invitae), Labcorp
Classification: Uncertain significance. Last evaluated: 2025-06-24. Review status: criteria provided, single submitter. Criteria: Invitae Variant Classification Sherloc (09022015). Collection method: clinical testing. Allele origin: germline.
Comment: This sequence change replaces glycine, which is neutral and non-polar, with glutamic acid, which is acidic and polar, at codon 344 of the FOXI3 protein (p.Gly344Glu). This variant is present in population databases (no rsID available, gnomAD 0.05%). This variant has not been reported in the literature in individuals affected with FOXI3-related conditions. Experimental studies and prediction algorithms are not available or were not evaluated, and the functional significance of this variant is currently unknown. In summary, the available evidence is currently insufficient to determine the role of this variant in disease. Therefore, it has been classified as a Variant of Uncertain Significance.

NM_001135649.3(FOXI3):c.1031G>A (p.Gly344Glu)

Gene: FOXI3 (forkhead box I3; minus strand). Cytogenetic location: 2p11.2.
Variant type: single nucleotide variant.
Coding change: c.1031G>A on transcript NM_001135649.3 (MANE Select); coding-DNA position 1031, G replaced by A.
Protein change: p.Gly344Glu; replaces glycine 344 with glutamic acid.
Molecular consequence: missense variant.
Genome position (GRCh38, 1-based): chr2:88,448,439, C>T on the plus strand (G>A on the coding strand, the complement: FOXI3 is on the minus strand). VCF-style: chr2-88448439-C-T. GRCh37 (hg19) VCF-style: chr2-88747958-C-T.
Other names: short protein forms G344E.
Identifiers: ClinVar variation 4745540 (VCV004745540.1).